The following is an entry in ClinVar:

NM_006950.3(SYN1):c.1941_1947dup (p.Ala650fs)

Gene: SYN1 (synapsin I; minus strand). Cytogenetic location: Xp11.3.
Variant type: Microsatellite.
Coding change: c.1941_1947dup on transcript NM_006950.3 (MANE Select); coding-DNA positions 1941 to 1947, 7 bases duplicated (CGCCACC; older notation c.1941_1947dupCGCCACC).
Protein change: p.Ala650fs; shifts the reading frame from alanine 650.
Molecular consequence: frameshift variant.
Genome position (GRCh38, 1-based): chrX:47,574,037-47,574,043, GGTGGCG duplicated on the plus strand (CGCCACC on the coding strand, the reverse complement: SYN1 is on the minus strand); duplicating any 7 consecutive bases within chrX:47,574,037-47,574,051 gives the same sequence; the c. name uses the placement nearest the transcript's 3' end. VCF-style (leftmost placement, unchanged base first): chrX-47574036-C-CGGTGGCG. GRCh37 (hg19) VCF-style: chrX-47433435-C-CGGTGGCG.
Other names: c.1941_1947dup, p.Ala650fs (NM_133499.2); short protein forms A650fs.
Identifiers: ClinVar variation 1067772 (VCV001067772.14), dbSNP rs2147912005, ClinGen allele CA2573131767.

ClinVar aggregate classification (germline): Pathogenic (1 of 4 stars; one submission).

Conditions:
Epilepsy, X-linked 1, with variable learning disabilities and behavior disorders. Also called: X-linked epilepsy-learning disabilities-behavior disorders syndrome. Identifiers: Orphanet 85294, MedGen C5774177, MONDO:0010339, OMIM 300491.

Submission:

Labcorp Genetics (formerly Invitae), Labcorp
Classification: Pathogenic for Epilepsy, X-linked 1, with variable learning disabilities and behavior disorders. Last evaluated: 2023-10-03. Review status: criteria provided, single submitter. Criteria: Invitae Variant Classification Sherloc (09022015). Collection method: clinical testing. Allele origin: germline.
Comment: This sequence change results in a frameshift in the SYN1 gene (p.Ala650Argfs*28). While this is not anticipated to result in nonsense mediated decay, it is expected to disrupt the last 20 amino acid(s) of the SYN1 protein and extend the protein by 7 additional amino acid residues. This variant is not present in population databases (gnomAD no frequency). This frameshift has been observed in individual(s) with early onset epilepsy (Invitae). ClinVar contains an entry for this variant (Variation ID: 1067772). This variant disrupts a region of the SYN1 protein in which other variant(s) (p.Pro664Ser) have been determined to be pathogenic (Invitae). This suggests that this is a clinically significant region of the protein, and that variants that disrupt it are likely to be disease-causing. For these reasons, this variant has been classified as Pathogenic.